The following is an entry in ClinVar:

ClinVar aggregate classification (germline): Likely pathogenic (1 of 4 stars; one submission).

Submission:

Mayo Clinic Laboratories, Mayo Clinic
Classification: Likely pathogenic. Last evaluated: 2025-10-23. Review status: criteria provided, single submitter. Criteria: ACMG Guidelines, 2015. Collection method: clinical testing. Allele origin: germline. Observed: 2 variant alleles.
Comment: PM2_supporting, PVS1

NM_001009944.3(PKD1):c.1879_1880del (p.Ser627fs)

Gene: PKD1 (polycystin 1, transient receptor potential channel interacting; minus strand). Cytogenetic location: 16p13.3.
Variant type: Microsatellite.
Coding change: c.1879_1880del on transcript NM_001009944.3 (MANE Select); coding-DNA positions 1879 to 1880, 2 bases deleted (AG; older notation c.1879_1880delAG).
Protein change: p.Ser627fs; shifts the reading frame from serine 627.
Molecular consequence: frameshift variant.
Genome position (GRCh38, 1-based): chr16:2,115,595-2,115,596, CT deleted on the plus strand (AG on the coding strand, the reverse complement: PKD1 is on the minus strand); deleting any 2 consecutive bases within chr16:2,115,595-2,115,599 gives the same sequence; the c. name uses the placement nearest the transcript's 3' end. VCF-style (leftmost placement, unchanged base first): chr16-2115594-GCT-G. GRCh37 (hg19) VCF-style: chr16-2165595-GCT-G.
Other names: p.Ser627Glnfs*86; c.1879_1880del, p.Ser627fs (NM_000296.4); short protein forms S627fs.
Identifiers: ClinVar variation 4542000 (VCV004542000.1).